The following is an entry in ClinVar:

ClinVar aggregate classification (germline): Uncertain significance. Review status: criteria provided, multiple submitters, no conflicts (2 of 4 stars). 2 submissions from 2 submitters: Uncertain significance (2). Last evaluated 2024-03-16.

Conditions:
Cardiovascular phenotype. Identifiers: MedGen CN230736.
Dilated cardiomyopathy 2B. Identifiers: Orphanet 154, MedGen C3553409, MONDO:0013848, OMIM 614672.

gnomAD v4.1: 1 of 1,612,814 alleles (0.000062%); highest among the groups gnomAD compares: Non-Finnish European, 0.000085%; no homozygotes.

Submissions (2):

Ambry Genetics
Classification: Uncertain significance for Cardiovascular phenotype. Last evaluated: 2024-03-16. Review status: criteria provided, single submitter. Criteria: Ambry Variant Classification Scheme 2023. Collection method: clinical testing. Allele origin: germline.
Comment: The p.G247V variant (also known as c.740G>T), located in coding exon 5 of the GATAD1 gene, results from a G to T substitution at nucleotide position 740. The glycine at codon 247 is replaced by valine, an amino acid with dissimilar properties. This amino acid position is conserved. In addition, this alteration is predicted to be deleterious by in silico analysis. Based on the available evidence, the clinical significance of this alteration remains unclear.

Labcorp Genetics (formerly Invitae), Labcorp
Classification: Uncertain significance for Dilated cardiomyopathy 2B. Last evaluated: 2022-07-08. Review status: criteria provided, single submitter. Criteria: Invitae Variant Classification Sherloc (09022015). Collection method: clinical testing. Allele origin: germline.
Comment: In summary, the available evidence is currently insufficient to determine the role of this variant in disease. Therefore, it has been classified as a Variant of Uncertain Significance. Algorithms developed to predict the effect of sequence changes on RNA splicing suggest that this variant may create or strengthen a splice site. Algorithms developed to predict the effect of missense changes on protein structure and function (SIFT, PolyPhen-2, Align-GVGD) all suggest that this variant is likely to be disruptive. This variant has not been reported in the literature in individuals affected with GATAD1-related conditions. This variant is not present in population databases (gnomAD no frequency). This sequence change replaces glycine, which is neutral and non-polar, with valine, which is neutral and non-polar, at codon 247 of the GATAD1 protein (p.Gly247Val).

NM_021167.5(GATAD1):c.740G>T (p.Gly247Val)

Gene: GATAD1 (GATA zinc finger domain containing 1; plus strand). Cytogenetic location: 7q21.2.
Variant type: single nucleotide variant.
Coding change: c.740G>T on transcript NM_021167.5 (MANE Select); coding-DNA position 740, G replaced by T.
Protein change: p.Gly247Val; replaces glycine 247 with valine.
Molecular consequence: missense variant. On other transcripts: non-coding transcript variant (1).
Genome position (GRCh38, 1-based): chr7:92,456,492, G>T. VCF-style: chr7-92456492-G-T. GRCh37 (hg19) VCF-style: chr7-92085806-G-T.
Other names: c.740G>T (NM_021167.3); short protein forms G247V.
Identifiers: ClinVar variation 2175677 (VCV002175677.5), dbSNP rs2484541448, ClinGen allele CA368163015.